The following is an entry in ClinVar:

NM_004320.6(ATP2A1):c.2857_2858del (p.Leu953fs)

Gene: ATP2A1 (ATPase sarcoplasmic/endoplasmic reticulum Ca2+ transporting 1; plus strand). Cytogenetic location: 16p11.2.
Variant type: Deletion.
Coding change: c.2857_2858del on transcript NM_004320.6 (MANE Select); coding-DNA positions 2857 to 2858, 2 bases deleted (CT; older notation c.2857_2858delCT).
Protein change: p.Leu953fs; shifts the reading frame from leucine 953.
Molecular consequence: frameshift variant.
Genome position (GRCh38, 1-based): chr16:28,903,142-28,903,143, CT deleted. VCF-style (leftmost placement, unchanged base first): chr16-28903141-CCT-C. GRCh37 (hg19) VCF-style: chr16-28914462-CCT-C.
Other names: c.2482_2483del, p.Leu828fs (NM_001286075.2); c.2857_2858del, p.Leu953fs (NM_173201.5); short protein forms L953fs, L828fs.
Identifiers: ClinVar variation 1484960 (VCV001484960.6), dbSNP rs2152215416, ClinGen allele CA2573152135.
Genomic context (GRCh38, chr16:28,903,141, plus strand): 5'-GCTGCTGGGCTCCATCTGCCTCTCCATGTCCCTGCACTTCCTCATCCTCTATGTTGACCC[CCT>C]GCCGGTGAGGTTTCTTCCGCCCAGGGCCGCCCACCCCAGCACTGGGGAGCCCACGGCGGG-3'

ClinVar aggregate classification (germline): Uncertain significance (1 of 4 stars; one submission).

Conditions:
Brody myopathy. Also called: BRODY DISEASE. Identifiers: Orphanet 53347, MedGen C1832918, MONDO:0010977, OMIM 601003.

Submission:

Labcorp Genetics (formerly Invitae), Labcorp
Classification: Uncertain significance for Brody myopathy. Last evaluated: 2022-08-09. Review status: criteria provided, single submitter. Criteria: Invitae Variant Classification Sherloc (09022015). Collection method: clinical testing. Allele origin: germline.
Comment: Experimental studies and prediction algorithms are not available or were not evaluated, and the functional significance of this variant is currently unknown. This sequence change creates a premature translational stop signal (p.Leu953Alafs*45) in the ATP2A1 gene. While this is not anticipated to result in nonsense mediated decay, it is expected to disrupt the last 49 amino acid(s) of the ATP2A1 protein. This variant has not been reported in the literature in individuals affected with ATP2A1-related conditions. This variant is not present in population databases (gnomAD no frequency). ClinVar contains an entry for this variant (Variation ID: 1484960). This variant disrupts a region of the ATP2A1 protein in which other variant(s) (p.Glu982Lys) have been observed in individuals with ATP2A1-related conditions (PMID: 25614869). This suggests that this is a clinically significant region of the protein, and that variants that disrupt it are likely to be disease-causing. In summary, the available evidence is currently insufficient to determine the role of this variant in disease. Therefore, it has been classified as a Variant of Uncertain Significance.

Literature cited by the submitters: PubMed 25614869.